The following is an entry in ClinVar:

ClinVar aggregate classification (germline): Conflicting classifications of pathogenicity. Review status: criteria provided, conflicting classifications (1 of 4 stars). 3 submissions from 3 submitters: Uncertain significance (1); Likely benign (2). Last evaluated 2026-04-26.

Conditions:
Inborn genetic diseases. Identifiers: MedGen C0950123, MeSH D030342.

gnomAD v4.1: 35 of 1,612,280 alleles (0.0022%); highest among the groups gnomAD compares: Admixed American, 0.013%; no homozygotes.

Submissions (3):

Dasa
Classification: Uncertain significance. Last evaluated: 2026-04-26. Review status: criteria provided, single submitter. Criteria: DASA Assertion Criteria. Collection method: clinical testing. Allele origin: germline.
Comment: NM_003128.3(SPTBN1):c.4778G>A (p.Arg1593Lys) is a missense variant that results in the substitution of arginine with lysine. This variant is rare in population databases. Computational prediction algorithms are consistent with a benign effect. The currently available literature and clinical evidence are not sufficient to establish a definitive association between this variant and the reported condition. Therefore, this variant is classified as a variant of uncertain significance.

Ambry Genetics
Classification: Likely benign for Inborn genetic diseases. Last evaluated: 2025-12-15. Review status: criteria provided, single submitter. Criteria: Ambry Variant Classification Scheme 2023. Collection method: clinical testing. Allele origin: germline.

CeGaT Center for Human Genetics Tuebingen
Classification: Likely benign. Last evaluated: 2025-11-01. Review status: criteria provided, single submitter. Criteria: CeGaT Center For Human Genetics Tuebingen Variant Classification Criteria Version 2. Collection method: clinical testing. Allele origin: germline. Affected: yes. Observed: 1 variant allele.
Comment: SPTBN1: BP4

NM_003128.3(SPTBN1):c.4778G>A (p.Arg1593Lys)

Gene: SPTBN1 (spectrin beta, non-erythrocytic 1; plus strand). Cytogenetic location: 2p16.2.
Variant type: single nucleotide variant.
Coding change: c.4778G>A on transcript NM_003128.3 (MANE Select); coding-DNA position 4778, G replaced by A.
Protein change: p.Arg1593Lys; replaces arginine 1593 with lysine.
Molecular consequence: missense variant.
Genome position (GRCh38, 1-based): chr2:54,646,387, G>A. VCF-style: chr2-54646387-G-A. GRCh37 (hg19) VCF-style: chr2-54873524-G-A.
Other names: c.4739G>A, p.Arg1580Lys (NM_178313.3); c.4778G>A (NM_003128.2); short protein forms R1580K, R1593K.
Identifiers: ClinVar variation 4533923 (VCV004533923.8).
Genomic context (GRCh38, chr2:54,646,387, plus strand): 5'-TGTGGGGTCTCCTCATTGAGGAGACAGAGAAACGCCACAGGCGGCTGGAGGAGGCGCACA[G>A]GGCCCAGCAGTACTACTTTGACGCTGCTGAGGCCGAAGCCTGGATGAGCGAGCAGGAGCT-3'
Protein context (NP_003119.2, residues 1583-1603): KRHRRLEEAH[Arg1593Lys]AQQYYFDAAE